The following is an entry in ClinVar:

ClinVar aggregate classification (germline): Likely pathogenic. Review status: criteria provided, single submitter (1 of 4 stars). 2 submissions from 2 submitters: Likely pathogenic (1). 1 of the submissions does not count toward it. Last evaluated 2018-08-31.

Conditions:
Global developmental delay with or without impaired intellectual development. Identifiers: MedGen C5193032, MONDO:0032680, OMIM 618330.

Submissions (2):

Institute of Human Genetics, University of Leipzig Medical Center
Classification: Likely pathogenic for Global developmental delay with or without impaired intellectual development. Last evaluated: 2018-08-31. Review status: criteria provided, single submitter. Criteria: ACMG Guidelines, 2015. Collection method: clinical testing. Allele origin: de novo. Affected: yes.
Comment: This variant was identified as de novo (maternity and paternity confirmed).

OMIM
Classification: Pathogenic for NEURODEVELOPMENTAL DISORDER WITH DEVELOPMENTAL DELAY AND MOTOR AND SPEECH DELAY. Last evaluated: 2025-04-09. Review status: no assertion criteria provided. Collection method: literature only. Allele origin: germline. Not counted in ClinVar's aggregate classification.

Literature cited by the submitters: PubMed 30014507 (cited by Institute of Human Genetics, University of Leipzig Medical Center and OMIM).

NM_001913.5(CUX1):c.61C>T (p.Gln21Ter)

Gene: CUX1 (cut like homeobox 1; plus strand). Cytogenetic location: 7q22.1.
Variant type: single nucleotide variant.
Coding change: c.61C>T on transcript NM_001913.5 (MANE Plus Clinical); coding-DNA position 61, C replaced by T.
Protein change: p.Gln21Ter; replaces glutamine 21 with a stop codon.
Molecular consequence: nonsense.
Genome position (GRCh38, 1-based): chr7:101,816,091, C>T. VCF-style: chr7-101816091-C-T. GRCh37 (hg19) VCF-style: chr7-101459371-C-T.
Other names: c.61C>T, p.Gln21Ter (NM_001202543.2, NM_001202544.3, NM_001202545.3 and 2 more transcripts); short protein forms Q21*.
Identifiers: ClinVar variation 618995 (VCV000618995.6), dbSNP rs1562875556, ClinGen allele CA368899969.